The following is an entry in ClinVar:

NM_021072.4(HCN1):c.203GCG[5] (p.Gly73_Gly74del)

Gene: HCN1 (hyperpolarization activated cyclic nucleotide gated potassium channel 1; minus strand). Cytogenetic location: 5p12.
Variant type: Microsatellite.
Coding change: c.203GCG[5] on transcript NM_021072.4 (MANE Select); five copies in a row of the 3-base unit GCG starting at c.203; the reference has seven copies in a row; two copies, 6 bases deleted; also written c.218_223del.
Protein change: p.Gly73_Gly74del.
Molecular consequence: inframe deletion.
Genome position (GRCh38, 1-based): chr5:45,695,871-45,695,876, CGCCGC deleted on the plus strand (GCGGCG on the coding strand, the reverse complement: HCN1 is on the minus strand); deleting any 6 consecutive bases within chr5:45,695,871-45,695,892 gives the same sequence; the position shown is the placement nearest the transcript's 3' end. VCF-style (leftmost placement, unchanged base first): chr5-45695870-TCGCCGC-T. GRCh37 (hg19) VCF-style: chr5-45695972-TCGCCGC-T.
Other names: c.218_223del (NM_021072.3); c.218_223del6 (NM_021072.3).
Identifiers: ClinVar variation 241373 (VCV000241373.92), dbSNP rs747975797, ClinGen allele CA3259498.

ClinVar aggregate classification (germline): Benign/Likely benign. Review status: criteria provided, multiple submitters, no conflicts (2 of 4 stars). 13 submissions from 13 submitters: Benign (6); Likely benign (3). 4 of the submissions do not count toward it. Last evaluated 2026-07-01.

Conditions:
Early-infantile DEE. Also called: Early infantile epileptic encephalopathy; Early infantile epileptic encephalopathy with suppression bursts; Ohtahara syndrome. Identifiers: Orphanet 1934, MedGen C0393706, MONDO:0800491.
HCN1-related disorder. Also called: HCN1-related disorders; HCN1-related condition.
Inborn genetic diseases. Identifiers: MedGen C0950123, MeSH D030342.

Submissions (13):

CeGaT Center for Human Genetics Tuebingen
Classification: Benign. Last evaluated: 2026-07-01. Review status: criteria provided, single submitter. Criteria: CeGaT Center For Human Genetics Tuebingen Variant Classification Criteria Version 2. Collection method: clinical testing. Allele origin: germline. Affected: yes. Observed: 50 variant alleles.
Comment: HCN1: BS1, BS2

Labcorp Genetics (formerly Invitae), Labcorp
Classification: Benign for Early-infantile DEE. Last evaluated: 2026-02-03. Review status: criteria provided, single submitter. Criteria: Invitae Variant Classification Sherloc (09022015). Collection method: clinical testing. Allele origin: germline.

Blueprint Genetics
Classification: Likely benign. Last evaluated: 2024-11-26. Review status: criteria provided, single submitter. Criteria: ACMG Guidelines, 2015. Collection method: clinical testing. Allele origin: germline.

Ambry Genetics
Classification: Benign for Inborn genetic diseases. Last evaluated: 2022-09-27. Review status: criteria provided, single submitter. Criteria: Ambry Variant Classification Scheme 2023. Collection method: clinical testing. Allele origin: germline.

Genetic Services Laboratory, University of Chicago
Classification: Benign. Last evaluated: 2021-02-09. Review status: criteria provided, single submitter. Criteria: ACMG Guidelines, 2015. Collection method: clinical testing. Allele origin: germline. Affected: no.

GeneDx
Classification: Likely benign. Last evaluated: 2020-11-12. Review status: criteria provided, single submitter. Criteria: GeneDx Variant Classification Process June 2021. Collection method: clinical testing. Allele origin: germline. Affected: yes.
Comment: Identified using alternate nomenclature p.73_75del in a patient with epilepsy, however, this individual had variants in other genes that may have contributed to their phenotype (Friedman et al., 2018); In silico analysis, which includes protein predictors and evolutionary conservation, supports that this variant does not alter protein structure/function; In-frame deletion in a repetitive region with no known function; This variant is associated with the following publications: (PMID: 29619247)

Athena Diagnostics
Classification: Benign. Last evaluated: 2018-05-31. Review status: criteria provided, single submitter. Criteria: Athena Diagnostics Criteria. Collection method: clinical testing. Allele origin: germline.

Center for Pediatric Genomic Medicine, Children's Mercy Hospital and Clinics
Classification: Likely benign. Last evaluated: 2016-12-09. Review status: criteria provided, single submitter. Criteria: ACMG Guidelines, 2015. Collection method: clinical testing. Allele origin: germline.
ClinVar note: Converted during submission from Likely Benign to Likely benign.

Eurofins Ntd Llc (ga)
Classification: Benign. Last evaluated: 2016-12-05. Review status: criteria provided, single submitter. Criteria: EGL Classification Definitions 2015. Collection method: clinical testing. Allele origin: germline. Observed: 1 variant allele, 1 heterozygote.

PreventionGenetics, part of Exact Sciences
Classification: Benign for HCN1-related condition. Last evaluated: 2019-06-05. Review status: no assertion criteria provided. Collection method: clinical testing. Allele origin: germline. Not counted in ClinVar's aggregate classification.
Comment: This variant is classified as benign based on ACMG/AMP sequence variant interpretation guidelines (Richards et al. 2015 PMID: 25741868, with internal and published modifications).

Clinical Genetics DNA and cytogenetics Diagnostics Lab, Erasmus MC, Erasmus Medical Center
Classification: Likely benign. Review status: no assertion criteria provided. Collection method: clinical testing. Allele origin: germline. Affected: yes. Study: VKGL Data-share Consensus. Not counted in ClinVar's aggregate classification.

Diagnostic Laboratory, Department of Genetics, University Medical Center Groningen
Classification: Benign. Review status: no assertion criteria provided. Collection method: clinical testing. Allele origin: germline. Affected: yes. Study: VKGL Data-share Consensus. Not counted in ClinVar's aggregate classification.

Laboratory of Diagnostic Genome Analysis, Leiden University Medical Center (LUMC)
Classification: Likely benign. Review status: no assertion criteria provided. Collection method: clinical testing. Allele origin: germline. Affected: yes. Study: VKGL Data-share Consensus. Not counted in ClinVar's aggregate classification.